The following is an entry in ClinVar:

ClinVar aggregate classification (germline): Likely benign (0 of 4 stars; one submission).

Conditions:
DNHD1-related disorder. Also called: DNHD1-related condition.

Allele frequency attached by ClinVar (database versions not stated): TOPMed below 0.00001; gnomAD 0.00002; gnomAD exomes 0.00004; 1000 Genomes Project 30x 0.00016; 1000 Genomes Project 0.00020; ExAC 0.00025.
gnomAD v4.1: 66 of 1,551,796 alleles (0.0043%); highest among the groups gnomAD compares: South Asian, 0.074%; 1 homozygote.

Submission:

PreventionGenetics, part of Exact Sciences
Classification: Likely benign for DNHD1-related condition. Last evaluated: 2019-04-05. Review status: no assertion criteria provided. Collection method: clinical testing. Allele origin: germline.
Comment: This variant is classified as likely benign based on ACMG/AMP sequence variant interpretation guidelines (Richards et al. 2015 PMID: 25741868, with internal and published modifications).

NM_144666.3(DNHD1):c.8328A>G (p.Ala2776=)

Gene: DNHD1 (dynein heavy chain domain 1; plus strand). Cytogenetic location: 11p15.4.
Variant type: single nucleotide variant.
Coding change: c.8328A>G on transcript NM_144666.3 (MANE Select); coding-DNA position 8328, A replaced by G.
Protein change: p.Ala2776=; no amino-acid change (alanine 2776 retained).
Molecular consequence: synonymous variant.
Genome position (GRCh38, 1-based): chr11:6,557,623, A>G. VCF-style: chr11-6557623-A-G. GRCh37 (hg19) VCF-style: chr11-6578853-A-G.
Identifiers: ClinVar variation 3051882 (VCV003051882.2), dbSNP rs565481752, ClinGen allele CA5856301.